The following is an entry in ClinVar:

ClinVar aggregate classification (germline): Pathogenic (1 of 4 stars; one submission).

Submission:

Labcorp Genetics (formerly Invitae), Labcorp
Classification: Pathogenic. Last evaluated: 2023-11-10. Review status: criteria provided, single submitter. Criteria: Invitae Variant Classification Sherloc (09022015). Collection method: clinical testing. Allele origin: unknown.
Comment: This variant is a gross deletion of the genomic region encompassing exon(s) 1-6 of the GFM1 gene, which includes the initiator codon. This deletion extends beyond the assayed region for this gene and therefore may encompass additional genes. It is expected to result in an absent or disrupted protein product. Loss-of-function variants in GFM1 are known to be pathogenic (PMID: 16632485, 17160893). This variant has not been reported in the literature in individuals affected with GFM1-related conditions. For these reasons, this variant has been classified as Pathogenic.

Literature cited by the submitters: PubMed 16632485; PubMed 17160893.

NC_000003.11:g.(?_158362424)_(158370055_?)del

Gene: GFM1 (G elongation factor mitochondrial 1; plus strand). Cytogenetic location: 3q25.32.
Variant type: Deletion.
Identifiers: ClinVar variation 3247043 (VCV003247043.1).